The following is an entry in ClinVar:

ClinVar aggregate classification (germline): Benign/Likely benign. Review status: criteria provided, multiple submitters, no conflicts (2 of 4 stars). 9 submissions from 9 submitters: Benign (3); Likely benign (6). Last evaluated 2026-07-16.

Conditions:
TSC2-related disorder. Also called: TSC2-related condition; TSC2-Related Disorders.
Hereditary cancer-predisposing syndrome. Also called: Neoplastic Syndromes, Hereditary; Tumor predisposition; Hereditary Cancer Syndrome; Hereditary neoplastic syndrome. Identifiers: Orphanet 140162, MedGen C0027672, MeSH D009386, MONDO:0015356.
Tuberous sclerosis syndrome (TSC). Also called: Tuberous Sclerosis Complex; Tuberous sclerosis. Identifiers: Orphanet 805, MedGen C0041341, MONDO:0001734.
Tuberous sclerosis 2 (TSC2). Identifiers: Orphanet 805, MedGen C1860707, MONDO:0013199, OMIM 613254.

Allele frequency attached by ClinVar (database versions not stated): gnomAD exomes 0.00002; ExAC 0.00003; gnomAD 0.00003; TOPMed 0.00004; ESP Exome Variant Server 0.00015.
gnomAD v4.1: 29 of 1,612,630 alleles (0.0018%); highest among the groups gnomAD compares: Admixed American, 0.005%; no homozygotes.

Submissions (9):

PreventionGenetics, part of Exact Sciences
Classification: Likely benign for TSC2-related condition. Last evaluated: 2026-07-16. Review status: criteria provided, single submitter. Criteria: ACMG Guidelines, 2015. Collection method: clinical testing. Allele origin: germline.
Comment: This variant is classified as likely benign based on ACMG/AMP sequence variant interpretation guidelines (Richards et al. 2015 PMID: 25741868, with internal and published modifications).

Labcorp Genetics (formerly Invitae), Labcorp
Classification: Benign for Tuberous sclerosis 2. Last evaluated: 2025-12-31. Review status: criteria provided, single submitter. Criteria: Invitae Variant Classification Sherloc (09022015). Collection method: clinical testing. Allele origin: germline.

Myriad Genetics, Inc.
Classification: Benign for Tuberous sclerosis 2. Last evaluated: 2025-06-04. Review status: criteria provided, single submitter. Criteria: Myriad Autosomal Dominant, Autosomal Recessive and X-Linked Classification Criteria (2023). Collection method: clinical testing. Allele origin: unknown.
Comment: This variant is considered benign. This variant is a silent/synonymous amino acid change and it is not expected to impact splicing.

All of Us Research Program, National Institutes of Health
Classification: Likely benign for Tuberous sclerosis syndrome. Last evaluated: 2023-08-15. Review status: criteria provided, single submitter. Criteria: ACMG Guidelines, 2015. Collection method: clinical testing. Allele origin: germline. Inheritance: Autosomal dominant inheritance. Observed: 5 variant alleles, 5 heterozygotes.
Comment: This study involves interpretation of variants in research participants for the purpose of population health screening. Participant phenotype was not available at the time of variant classification. Additional details can be found in publication PMID: 35346344, PMCID: PMC8962531

Color Diagnostics, LLC DBA Color Health
Classification: Likely benign for Tuberous sclerosis syndrome. Last evaluated: 2022-11-06. Review status: criteria provided, single submitter. Criteria: ACMG Guidelines, 2015. Collection method: clinical testing. Allele origin: germline.

Genome-Nilou Lab
Classification: Benign for Tuberous sclerosis 2. Last evaluated: 2021-11-07. Review status: criteria provided, single submitter. Criteria: ACMG Guidelines, 2015. Collection method: clinical testing. Allele origin: germline. Affected: no.

Sema4
Classification: Likely benign for Hereditary cancer-predisposing syndrome. Last evaluated: 2021-07-21. Review status: criteria provided, single submitter. Criteria: Sema4 Curation Guidelines. Collection method: curation. Allele origin: germline.

GeneDx
Classification: Likely benign. Last evaluated: 2020-10-19. Review status: criteria provided, single submitter. Criteria: GeneDx Variant Classification Process June 2021. Collection method: clinical testing. Allele origin: germline. Affected: yes.

Ambry Genetics
Classification: Likely benign for Hereditary cancer-predisposing syndrome. Last evaluated: 2017-05-01. Review status: criteria provided, single submitter. Criteria: Ambry Variant Classification Scheme 2023. Collection method: clinical testing. Allele origin: germline.

NM_000548.5(TSC2):c.4602C>T (p.Leu1534=)

Gene: TSC2 (TSC complex subunit 2; plus strand). Cytogenetic location: 16p13.3.
Variant type: single nucleotide variant.
Coding change: c.4602C>T on transcript NM_000548.5 (MANE Select); coding-DNA position 4602, C replaced by T.
Protein change: p.Leu1534=; no amino-acid change (leucine 1534 retained).
Molecular consequence: synonymous variant.
Genome position (GRCh38, 1-based): chr16:2,085,262, C>T. VCF-style: chr16-2085262-C-T. GRCh37 (hg19) VCF-style: chr16-2135263-C-T.
Other names: c.4401C>T, p.Leu1467= (NM_001077183.3); c.4533C>T, p.Leu1511= (NM_001114382.3); c.4293C>T, p.Leu1431= (NM_001318827.2); c.4257C>T, p.Leu1419= (NM_001318829.2); c.3870C>T, p.Leu1290= (NM_001318831.2); c.4434C>T, p.Leu1478= (NM_001318832.2); c.4404C>T, p.Leu1468= (NM_001363528.2); c.4470C>T, p.Leu1490= (NM_001370404.1); and 2 more.
Identifiers: ClinVar variation 378791 (VCV000378791.24), dbSNP rs368534883, ClinGen allele CA051918.